The following is an entry in ClinVar:

ClinVar aggregate classification (germline): Uncertain significance (1 of 4 stars; one submission).

Conditions:
Primary ciliary dyskinesia. Also called: Ciliary dyskinesia. Identifiers: Orphanet 244, MedGen C0008780, MONDO:0016575, HP:0012265.

Submission:

Labcorp Genetics (formerly Invitae), Labcorp
Classification: Uncertain significance for Primary ciliary dyskinesia. Last evaluated: 2024-05-06. Review status: criteria provided, single submitter. Criteria: Invitae Variant Classification Sherloc (09022015). Collection method: clinical testing. Allele origin: germline.
Comment: This sequence change replaces glutamine, which is neutral and polar, with arginine, which is basic and polar, at codon 2296 of the DNAH8 protein (p.Gln2296Arg). This variant is not present in population databases (gnomAD no frequency). This variant has not been reported in the literature in individuals affected with DNAH8-related conditions. ClinVar contains an entry for this variant (Variation ID: 952435). Advanced modeling of protein sequence and biophysical properties (such as structural, functional, and spatial information, amino acid conservation, physicochemical variation, residue mobility, and thermodynamic stability) performed at Invitae indicates that this missense variant is expected to disrupt DNAH8 protein function with a positive predictive value of 80%. In summary, the available evidence is currently insufficient to determine the role of this variant in disease. Therefore, it has been classified as a Variant of Uncertain Significance.

NM_001206927.2(DNAH8):c.6887A>G (p.Gln2296Arg)

Gene: DNAH8 (dynein axonemal heavy chain 8; plus strand). Cytogenetic location: 6p21.2.
Variant type: single nucleotide variant.
Coding change: c.6887A>G on transcript NM_001206927.2 (MANE Select); coding-DNA position 6887, A replaced by G.
Protein change: p.Gln2296Arg; replaces glutamine 2296 with arginine.
Molecular consequence: missense variant.
Genome position (GRCh38, 1-based): chr6:38,870,459, A>G. VCF-style: chr6-38870459-A-G. GRCh37 (hg19) VCF-style: chr6-38838235-A-G.
Other names: c.6236A>G, p.Gln2079Arg (NM_001371.4); short protein forms Q2079R, Q2296R.
Identifiers: ClinVar variation 952435 (VCV000952435.9), dbSNP rs1777382079, ClinGen allele CA364026175.